The following is an entry in ClinVar:

ClinVar aggregate classification (germline): Uncertain significance (1 of 4 stars; one submission).

Conditions:
Gastrointestinal stromal tumor. Also called: Gastrointestinal stromal tumor, somatic; Gastrointestinal stroma tumor. Identifiers: Orphanet 44890, MedGen C0238198, MeSH D046152, MONDO:0011719, OMIM 606764, HP:0100723.

Submission:

Labcorp Genetics (formerly Invitae), Labcorp
Classification: Uncertain significance for Gastrointestinal stromal tumor. Last evaluated: 2024-06-16. Review status: criteria provided, single submitter. Criteria: Invitae Variant Classification Sherloc (09022015). Collection method: clinical testing. Allele origin: germline.
Comment: This sequence change replaces glutamic acid, which is acidic and polar, with aspartic acid, which is acidic and polar, at codon 927 of the PDGFRA protein (p.Glu927Asp). This variant is not present in population databases (gnomAD no frequency). This variant has not been reported in the literature in individuals affected with PDGFRA-related conditions. Advanced modeling of protein sequence and biophysical properties (such as structural, functional, and spatial information, amino acid conservation, physicochemical variation, residue mobility, and thermodynamic stability) performed at Invitae indicates that this missense variant is not expected to disrupt PDGFRA protein function with a negative predictive value of 80%. In summary, the available evidence is currently insufficient to determine the role of this variant in disease. Therefore, it has been classified as a Variant of Uncertain Significance.

NM_006206.6(PDGFRA):c.2781G>T (p.Glu927Asp)

Gene: PDGFRA (platelet derived growth factor receptor alpha; plus strand). Cytogenetic location: 4q12.
Variant type: single nucleotide variant.
Coding change: c.2781G>T on transcript NM_006206.6 (MANE Select); coding-DNA position 2781, G replaced by T.
Protein change: p.Glu927Asp; replaces glutamic acid 927 with aspartic acid.
Molecular consequence: missense variant.
Genome position (GRCh38, 1-based): chr4:54,289,015, G>T. VCF-style: chr4-54289015-G-T. GRCh37 (hg19) VCF-style: chr4-55155182-G-T.
Other names: c.2856G>T, p.Glu952Asp (NM_001347828.2); c.2781G>T, p.Glu927Asp (NM_001347829.2); c.2820G>T, p.Glu940Asp (NM_001347830.2); short protein forms E940D, E927D, E952D.
Identifiers: ClinVar variation 3656759 (VCV003656759.2).
Genomic context (GRCh38, chr4:54,289,015, plus strand): 5'-GGGAGGGGCCCTGAGACTTCCCCCTGTGCCCACTCTTGAGTTCTGTCCCCACAGCTACGA[G>T]ATCATGGTGAAATGCTGGAACAGTGAGCCGGAGAAGAGACCCTCCTTTTACCACCTGAGT-3'
Protein context (NP_006197.1, residues 917-937): KPDHATSEVY[Glu927Asp]IMVKCWNSEP